The following is an entry in ClinVar:

NM_020708.5(SLC12A5):c.2036G>A (p.Arg679His)

Gene: SLC12A5 (solute carrier family 12 member 5; plus strand). Cytogenetic location: 20q13.12.
Variant type: single nucleotide variant.
Coding change: c.2036G>A on transcript NM_020708.5 (MANE Select); coding-DNA position 2036, G replaced by A.
Protein change: p.Arg679His; replaces arginine 679 with histidine.
Molecular consequence: missense variant.
Genome position (GRCh38, 1-based): chr20:46,049,645, G>A. VCF-style: chr20-46049645-G-A. GRCh37 (hg19) VCF-style: chr20-44678284-G-A.
Other names: c.2105G>A, p.Arg702His (NM_001134771.2); c.2105G>A (NM_001134771.1); short protein forms R679H, R702H.
Identifiers: ClinVar variation 1404708 (VCV001404708.6), dbSNP rs763612651, ClinGen allele CA9887520.

ClinVar aggregate classification (germline): Uncertain significance. Review status: criteria provided, multiple submitters, no conflicts (2 of 4 stars). 2 submissions from 2 submitters: Uncertain significance (2). Last evaluated 2025-02-25.

Conditions:
Developmental and epileptic encephalopathy, 34 (DEE34). Also called: Early infantile epileptic encephalopathy 34; SLC12A5-Related Epilepsy of Infancy with Migrating Focal Seizures. Identifiers: Orphanet 293181, MedGen C4225257, MONDO:0014718, OMIM 616645.

Allele frequency attached by ClinVar (database versions not stated): ExAC 0.00002; gnomAD 0.00002; gnomAD exomes 0.00003; TOPMed 0.00003.

Submissions (2):

Ambry Genetics
Classification: Uncertain significance. Last evaluated: 2025-02-25. Review status: criteria provided, single submitter. Criteria: Ambry Variant Classification Scheme 2023. Collection method: clinical testing. Allele origin: germline.

Labcorp Genetics (formerly Invitae), Labcorp
Classification: Uncertain significance for Developmental and epileptic encephalopathy, 34. Last evaluated: 2024-10-29. Review status: criteria provided, single submitter. Criteria: Invitae Variant Classification Sherloc (09022015). Collection method: clinical testing. Allele origin: germline.
Comment: This sequence change replaces arginine, which is basic and polar, with histidine, which is basic and polar, at codon 679 of the SLC12A5 protein (p.Arg679His). The frequency data for this variant in the population databases is considered unreliable, as metrics indicate poor data quality at this position in the gnomAD database. This variant has not been reported in the literature in individuals affected with SLC12A5-related conditions. ClinVar contains an entry for this variant (Variation ID: 1404708). Invitae Evidence Modeling of protein sequence and biophysical properties (such as structural, functional, and spatial information, amino acid conservation, physicochemical variation, residue mobility, and thermodynamic stability) indicates that this missense variant is not expected to disrupt SLC12A5 protein function with a negative predictive value of 80%. In summary, the available evidence is currently insufficient to determine the role of this variant in disease. Therefore, it has been classified as a Variant of Uncertain Significance.